The following is an entry in ClinVar:

ClinVar aggregate classification (germline): Pathogenic. Review status: criteria provided, multiple submitters, no conflicts (2 of 4 stars). 12 submissions from 12 submitters: Pathogenic (10). 2 of the submissions do not count toward it. Last evaluated 2026-01-21.

Conditions:
PCCB-related disorder. Also called: PCCB-related condition.
Propionic acidemia (PROP). Also called: GLYCINEMIA, KETOTIC; HYPERGLYCINEMIA WITH KETOACIDOSIS AND LEUKOPENIA; KETOTIC HYPERGLYCINEMIA. Identifiers: Orphanet 35, MedGen C0268579, MONDO:0011628, OMIM 606054, HP:0003571.

Allele frequency attached by ClinVar (database versions not stated): gnomAD exomes 0.00004 and 0.00002; gnomAD 0.00016 and 0.00005; ExAC 0.00001; TOPMed 0.00020.
gnomAD v4.1: 84 of 1,614,062 alleles (0.0052%); highest among the groups gnomAD compares: Non-Finnish European, 0.0059%; no homozygotes.

Submissions (12):

Labcorp Genetics (formerly Invitae), Labcorp
Classification: Pathogenic for Propionic acidemia. Last evaluated: 2026-01-21. Review status: criteria provided, single submitter. Criteria: Invitae Variant Classification Sherloc (09022015). Collection method: clinical testing. Allele origin: germline.
Comment: This sequence change replaces asparagine, which is neutral and polar, with aspartic acid, which is acidic and polar, at codon 536 of the PCCB protein (p.Asn536Asp). This variant is present in population databases (rs202247823, gnomAD 0.005%). This missense change has been observed in individuals with propionic acidemia (PMID: 12757933, 12888983, 22033733, 23053474, 28649556, 30013935). ClinVar contains an entry for this variant (Variation ID: 38881). Invitae Evidence Modeling of protein sequence and biophysical properties (such as structural, functional, and spatial information, amino acid conservation, physicochemical variation, residue mobility, and thermodynamic stability) has been performed for this missense variant. However, the output from this modeling did not meet the statistical confidence thresholds required to predict the impact of this variant on PCCB protein function. Experimental studies have shown that this missense change affects PCCB function (PMID: 11136555, 12007220, 12757933, 22033733, 23053474). For these reasons, this variant has been classified as Pathogenic.

Natera, Inc.
Classification: Pathogenic for Propionic acidemia. Last evaluated: 2025-09-08. Review status: criteria provided, single submitter. Criteria: Natera Variant Classification Schema (03/2026). Collection method: clinical testing. Allele origin: germline.
Comment: The c.1606A>G variant in PCCB is a missense variant predicted to cause substitution of asparagine to aspartic acid at amino acid 536. This variant is rare in the general population with a frequency below the threshold expected for the associated phenotype(s). This variant has been observed in one or more individuals affected with the associated recessive disease, as either homozygous or compound heterozygous with a second variant (PMID: 22033733). Computational prediction algorithms indicate this variant is likely to affect gene or protein function. Given the available evidence, this variant is classified as Pathogenic.

Blueprint Genetics
Classification: Pathogenic for PCCB-related disorders. Last evaluated: 2024-06-27. Review status: criteria provided, single submitter. Criteria: ACMG Guidelines, 2015. Collection method: clinical testing. Allele origin: germline. Affected: yes. Observed: 5 variant alleles.

Baylor Genetics
Classification: Pathogenic for Propionic acidemia. Last evaluated: 2024-03-25. Review status: criteria provided, single submitter. Criteria: ACMG Guidelines, 2015. Collection method: clinical testing. Allele origin: unknown.

Fulgent Genetics
Classification: Pathogenic for Propionic acidemia. Last evaluated: 2024-03-22. Review status: criteria provided, single submitter. Criteria: ACMG Guidelines, 2015. Collection method: clinical testing. Allele origin: germline.

Revvity Omics, Revvity
Classification: Pathogenic for Propionic acidemia. Last evaluated: 2024-01-18. Review status: criteria provided, single submitter. Criteria: ACMG Guidelines, 2015. Collection method: clinical testing. Allele origin: germline.

Neuberg Centre For Genomic Medicine, NCGM
Classification: Pathogenic for Propionic acidemia. Last evaluated: 2023-06-22. Review status: criteria provided, single submitter. Criteria: ACMG Guidelines, 2015. Collection method: clinical testing. Allele origin: germline. Inheritance: Autosomal recessive inheritance. Affected: yes.
Comment: The missense variant c.1606A>G (p.Asn536Asp) in PCCB gene has been observed in homozygous state in multiple individuals with propionic acidemia (Wenger et. al., 2020; Scott Schwoerer et. al., 2018). Experimental studies have shown that this missense change affects PCCB function (Gallego-Villaret. et. al., 2013). The p.Asn536Asp variant is present with allele frequency of 0.002% in gnomAD exomes database. This variant has been submitted to the ClinVar database as Pathogenic (multiple submitters). Multiple lines of computational evidence (Polyphen - probably damaging, SIFT - damaging and MutationTaster - disease causing) predict a damaging effect on protein structure and function for this variant. The reference amino acid at this position on PCCB gene is predicted as conserved by GERP++ and PhyloP across 100 vertebrates. The amino acid Asn at position 536 is changed to a Asp changing protein sequence and it might alter its composition and physico-chemical properties. For these reasons, this variant has been classified as Pathogenic.

Illumina Laboratory Services, Illumina
Classification: Pathogenic for Propionic acidemia. Last evaluated: 2018-08-23. Review status: criteria provided, single submitter. Criteria: ICSL Variant Classification Criteria 09 May 2019. Collection method: clinical testing. Allele origin: germline.
Comment: The PCCB c.1606A>G (p.Asn536Asp) missense variant, also referred to as c.1666A>G (p.Asn556Asp), was reported in one homozygote and five compound heterozygotes with propionic acidemia (Gravel et al. 1994, PÃ©rez-CerdÃ¡ et al. 2003, Kraus J et al. 2012). Control data are unavailable for this variant, which is reported at a frequency of 0.000047 in the European (non-Finnish) population of the Genome Aggregation Database. PÃ©rez-CerdÃ¡ et al. (2003) demonstrated the p.Asn556Asp variant exhibited propionyl-CoA carboxylase activity at 80% of wild type in transfected fibroblast cell lines but stable protein production by northern and western blot analysis, which is consistent with the mild phenotype reported in observed probands. Based on the evidence the p.Asn556Asp variant is classified as pathogenic for propionic acidemia. This variant was observed by ICSL as part of a predisposition screen in an ostensibly healthy population.

Women's Health and Genetics/Laboratory Corporation of America, LabCorp
Classification: Pathogenic for Propionyl-CoA carboxylase deficiency. Last evaluated: 2018-02-05. Review status: criteria provided, single submitter. Criteria: LabCorp Variant Classification Summary - May 2015. Collection method: clinical testing. Allele origin: germline.
Comment: Variant summary: PCCB c.1606A>G (p.Asn536Asp) results in a conservative amino acid change in the encoded protein sequence. Four of five in-silico tools predict a damaging effect of the variant on protein function. The variant allele was found at a frequency of 2.2e-05 in 277058 control chromosomes. This frequency is not higher than expected for a pathogenic variant in PCCB causing Propionic Acidemia (2.2e-05 vs 0.0025), allowing no conclusion about variant significance. The c.1606A>G variant has been reported in the literature in multiple individuals affected with Propionic Acidemia (Gravel 1994, Perez-Cerda 2003, Kraus 2012). These data indicate that the variant is very likely to be associated with disease. Functional studies also reported experimental evidence that the variant has an impact on protein function. The most pronounced variant effect results in <10% of normal activity (Gravel 1994, Perez-Cerda 2003, Kraus 2012). No clinical diagnostic laboratories have submitted clinical-significance assessments for this variant to ClinVar after 2014. Based on the evidence outlined above, the variant was classified as pathogenic.

Eurofins Ntd Llc (ga)
Classification: Pathogenic. Last evaluated: 2014-12-02. Review status: criteria provided, single submitter. Criteria: EGL Classification Definitions. Collection method: clinical testing. Allele origin: germline. Observed: 2 variant alleles, 2 heterozygotes.

PreventionGenetics, part of Exact Sciences
Classification: Pathogenic for PCCB-related condition. Last evaluated: 2024-08-28. Review status: no assertion criteria provided. Collection method: clinical testing. Allele origin: germline. Not counted in ClinVar's aggregate classification.
Comment: The PCCB c.1606A>G variant is predicted to result in the amino acid substitution p.Asn536Asp. This variant has been commonly reported to be causative for propionic acidemia (Gravel et al. 1994. PubMed ID: 8023851; Kraus et al. 2012. PubMed ID: 22033733; Schwoerer et al. 2018. PubMed ID: 30013935; Stanescu et al. 2021. PubMed ID: 33473339). In vitro studies have shown that the p.Asn536Asp substitution results in a PCC enzyme with moderate residual activity, which is consistent with the finding that the c.1606A>G variant is often associated with a milder phenotype (Pérez-Cerdá et al. 2003. PubMed ID: 12757933). Although the p.Asn563 amino acid is located in the C-terminus of the PCCB protein only three amino acids from the protein termination codon, studies have shown that the p.Asn536Asp substitution affects protein subunit association (Muro et al. 2001. PubMed ID: 11749052; Desviat et al. 2004. PubMed ID: 15464417). This variant is reported in 0.0054% of alleles in individuals of European (Non-Finnish) descent in gnomAD. Taken together, this variant is interpreted as pathogenic.

GeneReviews
No classification provided. Condition: Propionic acidemia. Review status: no classification provided. Collection method: literature only. Allele origin: unknown. Not counted in ClinVar's aggregate classification.

Literature cited by the submitters: PubMed 12757933 (cited by 3 submitters); PubMed 12888983 (cited by Labcorp Genetics (formerly Invitae), Labcorp); PubMed 22033733 (cited by 4 submitters); PubMed 23053474 (cited by Labcorp Genetics (formerly Invitae), Labcorp); PubMed 28649556 (cited by Labcorp Genetics (formerly Invitae), Labcorp); PubMed 30013935 (cited by Labcorp Genetics (formerly Invitae), Labcorp); PubMed 11136555 (cited by Labcorp Genetics (formerly Invitae), Labcorp); PubMed 12007220 (cited by Labcorp Genetics (formerly Invitae), Labcorp); PubMed 8023851 (cited by Illumina Laboratory Services, Illumina and Women's Health and Genetics/Laboratory Corporation of America, LabCorp); PubMed 22593918 (cited by GeneReviews); NCBI Bookshelf NBK92946 (cited by GeneReviews).

NM_000532.5(PCCB):c.1606A>G (p.Asn536Asp)

Gene: PCCB (propionyl-CoA carboxylase subunit beta; plus strand). Cytogenetic location: 3q22.3.
Variant type: single nucleotide variant.
Coding change: c.1606A>G on transcript NM_000532.5 (MANE Select); coding-DNA position 1606, A replaced by G.
Protein change: p.Asn536Asp; replaces asparagine 536 with aspartic acid.
Molecular consequence: missense variant.
Genome position (GRCh38, 1-based): chr3:136,330,012, A>G. VCF-style: chr3-136330012-A-G. GRCh37 (hg19) VCF-style: chr3-136048854-A-G.
Other names: c.1666A>G, p.Asn556Asp (NM_001178014.2); short protein forms N536D, N556D.
Identifiers: ClinVar variation 38881 (VCV000038881.40), dbSNP rs202247823, ClinGen allele CA221097.